The following is an entry in ClinVar:

NM_015275.3(WASHC4):c.1944G>A (p.Arg648=)

Gene: WASHC4 (WASH complex subunit 4; plus strand). Cytogenetic location: 12q23.3.
Variant type: single nucleotide variant.
Coding change: c.1944G>A on transcript NM_015275.3 (MANE Select); coding-DNA position 1944, G replaced by A.
Protein change: p.Arg648=; no amino-acid change (arginine 648 retained).
Molecular consequence: synonymous variant.
Genome position (GRCh38, 1-based): chr12:105,143,177, G>A. VCF-style: chr12-105143177-G-A. GRCh37 (hg19) VCF-style: chr12-105536955-G-A.
Other names: c.1947G>A, p.Arg649= (NM_001293640.2).
Identifiers: ClinVar variation 4822903 (VCV004822903.4).

ClinVar aggregate classification (germline): Likely benign (1 of 4 stars; one submission).

gnomAD v4.1: 25 of 1,611,642 alleles (0.0016%); highest among the groups gnomAD compares: East Asian, 0.047%; no homozygotes.

Submission:

CeGaT Center for Human Genetics Tuebingen
Classification: Likely benign. Last evaluated: 2026-01-01. Review status: criteria provided, single submitter. Criteria: CeGaT Center For Human Genetics Tuebingen Variant Classification Criteria Version 2. Collection method: clinical testing. Allele origin: germline. Affected: yes. Observed: 1 variant allele.
Comment: WASHC4: BP4, BP7